The following is an entry in ClinVar:

ClinVar aggregate classification (germline): Uncertain significance. Review status: criteria provided, single submitter (1 of 4 stars). 2 submissions from 2 submitters: Uncertain significance (1). 1 of the submissions does not count toward it. Last evaluated 2025-12-22.

Allele frequency attached by ClinVar (database versions not stated): 1000 Genomes Project 30x 0.00016; gnomAD exomes 0.00007; ExAC 0.00008; gnomAD 0.00009 and 0.00010; 1000 Genomes Project 0.00020; TOPMed 0.00005.
gnomAD v4.1: 129 of 1,516,352 alleles (0.0085%); highest among the groups gnomAD compares: Admixed American, 0.053%; no homozygotes.

Submissions (2):

Ambry Genetics
Classification: Uncertain significance. Last evaluated: 2025-12-22. Review status: criteria provided, single submitter. Criteria: Ambry Variant Classification Scheme 2023. Collection method: clinical testing. Allele origin: germline.

ITMI
No classification provided. Condition: AllHighlyPenetrant. Last evaluated: 2013-09-19. Review status: no classification provided. Collection method: reference population. Allele origin: germline. Not counted in ClinVar's aggregate classification.
Comment: Please see associated publication for description of ethnicities

Literature cited by the submitters: PubMed 24728327 (cited by ITMI).

NM_016507.4(CDK12):c.4381G>T (p.Gly1461Cys)

Gene: CDK12 (cyclin dependent kinase 12; plus strand). Cytogenetic location: 17q12.
Variant type: single nucleotide variant.
Coding change: c.4381G>T on transcript NM_016507.4 (MANE Select); coding-DNA position 4381, G replaced by T.
Protein change: p.Gly1461Cys; replaces glycine 1461 with cysteine.
Molecular consequence: missense variant.
Genome position (GRCh38, 1-based): chr17:39,531,224, G>T. VCF-style: chr17-39531224-G-T. GRCh37 (hg19) VCF-style: chr17-37687477-G-T.
Other names: c.4354G>T, p.Gly1452Cys (NM_015083.4); c.4381G>T (NM_016507.2); short protein forms G1452C, G1461C.
Identifiers: ClinVar variation 133865 (VCV000133865.4), dbSNP rs186043011, ClinGen allele CA158019.
Genomic context (GRCh38, chr17:39,531,224, plus strand): 5'-GGGGAGCTGGGGCCAGGAACCACTGGGGCCAGCAGCTCAGGAGCAGGCCTTCACTGGGGG[G>T]GCCCAACTCAGTCTTCTGCTTATGGAAAACTCTATCGGGGGCCTACAAGAGTCCCACCAA-3'
Protein context (NP_057591.2, residues 1451-1471): SSSGAGLHWG[Gly1461Cys]PTQSSAYGKL